The following is an entry in ClinVar:

NM_001829.4(CLCN3):c.1452C>T (p.Val484=)

Gene: CLCN3 (Cl-/H+ antiporter 3; plus strand). Cytogenetic location: 4q33.
Variant type: single nucleotide variant.
Coding change: c.1452C>T on transcript NM_001829.4 (MANE Select); coding-DNA position 1452, C replaced by T.
Protein change: p.Val484=; no amino-acid change (valine 484 retained).
Molecular consequence: synonymous variant.
Genome position (GRCh38, 1-based): chr4:169,697,623, C>T. VCF-style: chr4-169697623-C-T. GRCh37 (hg19) VCF-style: chr4-170618774-C-T.
Other names: c.1371C>T, p.Val457= (NM_001243372.2, NM_001243374.2); c.1452C>T, p.Val484= (NM_173872.4).
Identifiers: ClinVar variation 4083934 (VCV004083934.8).

ClinVar aggregate classification (germline): Likely benign (1 of 4 stars; one submission).

gnomAD v4.1: 14 of 1,613,914 alleles (0.00087%); highest among the groups gnomAD compares: Middle Eastern, 0.016%; no homozygotes.

Submission:

CeGaT Center for Human Genetics Tuebingen
Classification: Likely benign. Last evaluated: 2025-06-01. Review status: criteria provided, single submitter. Criteria: CeGaT Center For Human Genetics Tuebingen Variant Classification Criteria Version 2. Collection method: clinical testing. Allele origin: germline. Affected: yes. Observed: 1 variant allele.
Comment: CLCN3: BP4, BP7